The following is an entry in ClinVar:

NM_001291415.2(KDM6A):c.3748G>C (p.Glu1250Gln)

Gene: KDM6A (lysine demethylase 6A; plus strand). Cytogenetic location: Xp11.3.
Variant type: single nucleotide variant.
Coding change: c.3748G>C on transcript NM_001291415.2 (MANE Select); coding-DNA position 3748, G replaced by C.
Protein change: p.Glu1250Gln; replaces glutamic acid 1250 with glutamine.
Molecular consequence: missense variant. On other transcripts: non-coding transcript variant (1).
Genome position (GRCh38, 1-based): chrX:45,089,786, G>C. VCF-style: chrX-45089786-G-C. GRCh37 (hg19) VCF-style: chrX-44949031-G-C.
Other names: c.3613G>C, p.Glu1205Gln (NM_001291416.2); c.3457G>C, p.Glu1153Gln (NM_001291417.2); c.3355G>C, p.Glu1119Gln (NM_001291418.2); c.2704G>C, p.Glu902Gln (NM_001291421.2); c.3490G>C, p.Glu1164Gln (NM_001410742.1); c.3592G>C, p.Glu1198Gln (NM_021140.4); c.3592G>C (NM_021140.3); short protein forms E1164Q, E1198Q, E1205Q, E1250Q, E902Q, E1119Q, E1153Q.
Identifiers: ClinVar variation 2104828 (VCV002104828.5), dbSNP rs1396565624, ClinGen allele CA412806702.

ClinVar aggregate classification (germline): Uncertain significance. Review status: criteria provided, multiple submitters, no conflicts (2 of 4 stars). 2 submissions from 2 submitters: Uncertain significance (2). Last evaluated 2024-03-24.

Conditions:
Kabuki syndrome 2 (KABUK2). Also called: KDM6A-Related Kabuki Syndrome. Identifiers: Orphanet 2322, MedGen C3275495, MONDO:0010465, OMIM 300867.

Allele frequency attached by ClinVar (database versions not stated): gnomAD 0.00001; TOPMed 0.00001.
gnomAD v4.1: 1 of 1,207,150 alleles (0.000083%); highest among the groups gnomAD compares: African/African-American, 0.0018%; no homozygotes.

Submissions (2):

Fulgent Genetics
Classification: Uncertain significance for Kabuki syndrome 2. Last evaluated: 2024-03-24. Review status: criteria provided, single submitter. Criteria: ACMG Guidelines, 2015. Collection method: clinical testing. Allele origin: germline.

Labcorp Genetics (formerly Invitae), Labcorp
Classification: Uncertain significance for Kabuki syndrome 2. Last evaluated: 2022-02-28. Review status: criteria provided, single submitter. Criteria: Invitae Variant Classification Sherloc (09022015). Collection method: clinical testing. Allele origin: germline.
Comment: This sequence change replaces glutamic acid, which is acidic and polar, with glutamine, which is neutral and polar, at codon 1198 of the KDM6A protein (p.Glu1198Gln). This variant is not present in population databases (gnomAD no frequency). This variant has not been reported in the literature in individuals affected with KDM6A-related conditions. Algorithms developed to predict the effect of missense changes on protein structure and function (SIFT, PolyPhen-2, Align-GVGD) all suggest that this variant is likely to be disruptive. In summary, the available evidence is currently insufficient to determine the role of this variant in disease. Therefore, it has been classified as a Variant of Uncertain Significance.